The following is an entry in ClinVar:

NM_002133.3(HMOX1):c.265_268del (p.Leu89fs)

Gene: HMOX1 (heme oxygenase 1; plus strand). Cytogenetic location: 22q12.3.
Variant type: Deletion.
Coding change: c.265_268del on transcript NM_002133.3 (MANE Select); coding-DNA positions 265 to 268, 4 bases deleted (CTGG; older notation c.265_268delCTGG).
Protein change: p.Leu89fs; shifts the reading frame from leucine 89.
Molecular consequence: frameshift variant.
Genome position (GRCh38, 1-based): chr22:35,386,805-35,386,808, CTGG deleted. VCF-style (leftmost placement, unchanged base first): chr22-35386804-CCTGG-C. GRCh37 (hg19) VCF-style: chr22-35782797-CCTGG-C.
Other names: short protein forms L89fs.
Identifiers: ClinVar variation 4880142 (VCV004880142.1).

ClinVar aggregate classification (germline): Likely pathogenic (1 of 4 stars; one submission).

Conditions:
Primary ciliary dyskinesia. Also called: Ciliary dyskinesia. Identifiers: Orphanet 244, MedGen C0008780, MONDO:0016575, HP:0012265.

Submission:

Department of Human Genetics, Hannover Medical School
Classification: Likely pathogenic for Primary Ciliary Dyskinesia. Last evaluated: 2026-04-01. Review status: criteria provided, single submitter. Criteria: ACMG Guidelines, 2015. Collection method: research. Allele origin: germline. Affected: no.
Comment: Classification performed by HerediClassify using the following criteria:['PM2_supporting: Variant occures does not occur as homozygous in gnomAD.', 'PVS1_protein_very_strong: Transcript ENST00000216117 is predicted to undergo NMD.']